The following is an entry in ClinVar:

ClinVar aggregate classification (germline): Pathogenic (1 of 4 stars; one submission).

Conditions:
Familial thoracic aortic aneurysm and aortic dissection (TAAD). Also called: Thoracic aortic aneurysms and dissections. Identifiers: Orphanet 91387, MedGen C4707243, MONDO:0019625.
Marfan syndrome (MFS). Also called: FBN1-Related Marfan Syndrome; Marfan syndrome type 1; Marfan's syndrome; Marfan syndrome, classic; MARFAN SYNDROME, TYPE I. Identifiers: Orphanet 284963, Orphanet 558, MedGen C0024796, MONDO:0007947, OMIM 154700.

Submission:

Labcorp Genetics (formerly Invitae), Labcorp
Classification: Pathogenic for Marfan syndrome; Familial thoracic aortic aneurysm and aortic dissection. Last evaluated: 2019-05-11. Review status: criteria provided, single submitter. Criteria: Invitae Variant Classification Sherloc (09022015). Collection method: clinical testing. Allele origin: germline.
Comment: This variant is an in-frame deletion of the genomic region encompassing exon 10 of the FBN1 gene. It preserves the integrity of the reading frame. This variant has not been reported in the literature in individuals with FBN1-related disease. This variants deletes most of TGFBP domain #1 of the FBN1 protein, including many cysteine residues believed to be involved in intramolecular disulfide bridges that are key for FBN1 structure. Although the exact function of the FBN1 TGFBP domains has not being elucidated (PMID: 10930463, 27437668), missense substitutions within the TGFBP domains affecting cysteine residues are significantly overrepresented among patients with Marfan syndrome (PMID: 16571647, 17701892). For these reasons, this variant has been classified as Pathogenic.

Literature cited by the submitters: PubMed 17701892; PubMed 16571647; PubMed 10930463; PubMed 27437668.

NC_000015.10:g.(?_48520639)_(48520837_?)del

Genes: FBN1 (fibrillin 1; minus strand), LOC113939944 (Sharpr-MPRA regulatory region 9539; plus strand). Cytogenetic location: 15q21.1.
Variant type: Deletion.
Identifiers: ClinVar variation 583712 (VCV000583712.2).